The following is an entry in ClinVar:

ClinVar aggregate classification (germline): Pathogenic (1 of 4 stars; one submission).

Conditions:
Warsaw breakage syndrome (WABS). Also called: DDX11-Related Cohesinopathy. Identifiers: Orphanet 280558, MedGen C3150658, MONDO:0013252, OMIM 613398.

Submission:

Victorian Clinical Genetics Services, Murdoch Childrens Research Institute
Classification: Pathogenic for Warsaw breakage syndrome. Last evaluated: 2022-02-02. Review status: criteria provided, single submitter. Criteria: ACMG Guidelines, 2015. Collection method: clinical testing. Allele origin: germline. Inheritance: Autosomal recessive inheritance.
Comment: Based on the classification scheme VCGS_Germline_v1.3.4, this variant is classified as Pathogenic. Following criteria are met: 0102 - Loss of function is a known mechanism of disease in this gene and is associated with Warsaw breakage syndrome (MIM#613398). (I) 0106 - This gene is associated with autosomal recessive disease. (I) 0201 - Variant is predicted to cause nonsense-mediated decay (NMD) and loss of protein (premature termination codon is located at least 54 nucleotides upstream of the final exon-exon junction). (SP) 0251 - This variant is heterozygous. (I) 0304 - Variant is present in gnomAD (v3) <0.01 for a recessive condition (1 heterozygote, 0 homozygotes). (SP) 0701 - Other NMD predicted variants comparable to the one identified in this case have very strong previous evidence for pathogenicity (ClinVar, PMID: 32855419). (SP) 0807 - This variant has no previous evidence of pathogenicity. (I) 0905 - No published segregation evidence has been identified for this variant. (I) 1007 - No published functional evidence has been identified for this variant. (I) Legend: (SP) - Supporting pathogenic, (I) - Information, (SB) - Supporting benign

Literature cited by the submitters: PubMed 32855419.

NM_030653.4(DDX11):c.1862dup (p.Thr622fs)

Gene: DDX11 (DEAD/H-box helicase 11; plus strand). Cytogenetic location: 12p11.21.
Variant type: Duplication.
Coding change: c.1862dup on transcript NM_030653.4 (MANE Select); coding-DNA position 1862, one base duplicated (G; older notation c.1862dupG).
Protein change: p.Thr622fs; shifts the reading frame from threonine 622.
Molecular consequence: frameshift variant.
Genome position (GRCh38, 1-based): chr12:31,097,984, G duplicated; the last of 6 consecutive G bases (chr12:31,097,979-31,097,984); duplicating any one gives the same sequence. VCF-style (leftmost placement, unchanged base first): chr12-31097978-C-CG. GRCh37 (hg19) VCF-style: chr12-31250912-C-CG.
Other names: c.1862dup, p.Thr622fs (NM_001257144.2, NM_004399.3, NM_152438.2); c.1784dup, p.Thr596fs (NM_001257145.2); short protein forms T596fs, T622fs.
Identifiers: ClinVar variation 1699047 (VCV001699047.3), dbSNP rs766120336, ClinGen allele CA946174208.
Genomic context (GRCh38, chr12:31,097,978, plus strand): 5'-TCCTGAATCCAGCTGTGCACTTTGCCCAAGTGGTGAAGGAATGCCGGGCAGTGGTCATTG[C>CG]GGGGGGTACCATGCAGCCGGTAAGGACACCTTTCCCAGCCCCTCGTGCCCCAGGTGTTGG-3'